The following is an entry in ClinVar:

ClinVar aggregate classification (germline): Pathogenic/Likely pathogenic. Review status: criteria provided, multiple submitters, no conflicts (2 of 4 stars). 4 submissions from 4 submitters: Pathogenic (1); Likely pathogenic (1). 2 of the submissions do not count toward it. Last evaluated 2024-09-26.

Conditions:
Charcot-Marie-Tooth disease. Also called: Charcot-Marie-Tooth Neuropathy; Charcot-Marie-Tooth Hereditary Neuropathy. Identifiers: Orphanet 166, MedGen C0007959, MONDO:0015626.
Charcot-Marie-Tooth disease type 4A. Also called: Charcot-Marie-Tooth disease, demyelinating, autosomal recessive, type 4a. Identifiers: Orphanet 99948, MedGen C1859198, MONDO:0008961, OMIM 214400.

Allele frequency attached by ClinVar (database versions not stated): gnomAD exomes 0.00001; TOPMed 0.00001.
gnomAD v4.1: 10 of 1,576,562 alleles (0.00063%); highest among the groups gnomAD compares: Non-Finnish European, 0.00087%; no homozygotes.

Submissions (4):

Labcorp Genetics (formerly Invitae), Labcorp
Classification: Pathogenic for Charcot-Marie-Tooth disease type 4A. Last evaluated: 2024-09-26. Review status: criteria provided, single submitter. Criteria: Invitae Variant Classification Sherloc (09022015). Collection method: clinical testing. Allele origin: germline.
Comment: This sequence change creates a premature translational stop signal (p.Arg191*) in the GDAP1 gene. It is expected to result in an absent or disrupted protein product. Loss-of-function variants in GDAP1 are known to be pathogenic (PMID: 11743580). This variant is not present in population databases (gnomAD no frequency). This premature translational stop signal has been observed in individual(s) with Charcot-Marie-tooth (CMT) disease (PMID: 17433678, 18504680, 23466821). It has also been observed to segregate with disease in related individuals. ClinVar contains an entry for this variant (Variation ID: 535790). For these reasons, this variant has been classified as Pathogenic.

Neuberg Centre For Genomic Medicine, NCGM
Classification: Likely pathogenic for Charcot-Marie-Tooth disease type 4A. Review status: criteria provided, single submitter. Criteria: ACMG Guidelines, 2015. Collection method: clinical testing. Allele origin: germline. Inheritance: Autosomal recessive inheritance. Affected: yes.
Comment: The stop gained p.R191* in GDAP1 (NM_018972.4) has been reported to ClinVar as Pathogenic (Auer-Grumbach M et al, 2008; Baránková L et al, 2007). The p.R191* variant is novel (not in any individuals) in gnomAD Exomes and is novel (not in any individuals) in 1000 Genomes. This variant is predicted to cause loss of normal protein function through protein truncation. Loss-of-function variants in GDAP1 are known to be pathogenic (Cuesta A et al, 2002; Crimella C et al, 2010). For these reasons, this variant has been classified as Likely Pathogenic.

Inherited Neuropathy Consortium Ii, University Of Miami
Classification: Uncertain significance for Charcot-Marie-Tooth disease type 4A. Last evaluated: 2016-01-06. Review status: no assertion criteria provided. Collection method: literature only. Allele origin: germline. Affected: yes. Not counted in ClinVar's aggregate classification.

Inherited Neuropathy Consortium
Classification: Uncertain significance for Charcot-Marie-Tooth disease. Review status: no assertion criteria provided. Collection method: literature only. Allele origin: germline. Affected: yes. Not counted in ClinVar's aggregate classification.

Literature cited by the submitters: PubMed 11743580 (cited by Labcorp Genetics (formerly Invitae), Labcorp); PubMed 17433678 (cited by 3 submitters); PubMed 18504680 (cited by Labcorp Genetics (formerly Invitae), Labcorp); PubMed 23466821 (cited by Labcorp Genetics (formerly Invitae), Labcorp).

NM_018972.4(GDAP1):c.571C>T (p.Arg191Ter)

Gene: GDAP1 (ganglioside induced differentiation associated protein 1; plus strand). Cytogenetic location: 8q21.11.
Variant type: single nucleotide variant.
Coding change: c.571C>T on transcript NM_018972.4 (MANE Select); coding-DNA position 571, C replaced by T.
Protein change: p.Arg191Ter; replaces arginine 191 with a stop codon.
Molecular consequence: nonsense.
Genome position (GRCh38, 1-based): chr8:74,361,970, C>T. VCF-style: chr8-74361970-C-T. GRCh37 (hg19) VCF-style: chr8-75274205-C-T.
Other names: c.367C>T, p.Arg123Ter (NM_001040875.4); c.244C>T, p.Arg82Ter (NM_001362929.2, NM_001362932.2); c.397C>T, p.Arg133Ter (NM_001362930.2); c.571C>T, p.Arg191Ter (NM_001362931.2); short protein forms R191*, R123*, R133*, R82*.
Identifiers: ClinVar variation 535790 (VCV000535790.12), dbSNP rs1554547986, ClinGen allele CA371549300.